The following is an entry in ClinVar:

ClinVar aggregate classification (germline): Uncertain significance. Review status: criteria provided, multiple submitters, no conflicts (2 of 4 stars). 2 submissions from 2 submitters: Uncertain significance (2). Last evaluated 2025-12-01.

Conditions:
Cardiovascular phenotype. Identifiers: MedGen CN230736.
Dilated cardiomyopathy 1W (CMD1W). Identifiers: Orphanet 154, MedGen C1969639, MONDO:0012667, OMIM 611407.

gnomAD v4.1: 1 of 1,614,132 alleles (0.000062%); highest among the groups gnomAD compares: African/African-American, 0.0013%; no homozygotes.

Submissions (2):

Labcorp Genetics (formerly Invitae), Labcorp
Classification: Uncertain significance for Dilated cardiomyopathy 1W. Last evaluated: 2025-12-01. Review status: criteria provided, single submitter. Criteria: Invitae Variant Classification Sherloc (09022015). Collection method: clinical testing. Allele origin: germline.
Comment: This sequence change replaces proline, which is neutral and non-polar, with alanine, which is neutral and non-polar, at codon 916 of the VCL protein (p.Pro916Ala). This variant is not present in population databases (gnomAD no frequency). This variant has not been reported in the literature in individuals affected with VCL-related conditions. ClinVar contains an entry for this variant (Variation ID: 3611682). An algorithm developed to predict the effect of missense changes on protein structure and function (PolyPhen-2) suggests that this variant is likely to be tolerated. In summary, the available evidence is currently insufficient to determine the role of this variant in disease. Therefore, it has been classified as a Variant of Uncertain Significance.

Ambry Genetics
Classification: Uncertain significance for Cardiovascular phenotype. Last evaluated: 2025-08-12. Review status: criteria provided, single submitter. Criteria: Ambry Variant Classification Scheme 2023. Collection method: clinical testing. Allele origin: germline.

NM_014000.3(VCL):c.2746C>G (p.Pro916Ala)

Gene: VCL (vinculin; plus strand). Cytogenetic location: 10q22.2.
Variant type: single nucleotide variant.
Coding change: c.2746C>G on transcript NM_014000.3 (MANE Select); coding-DNA position 2746, C replaced by G.
Protein change: p.Pro916Ala; replaces proline 916 with alanine.
Molecular consequence: missense variant. On other transcripts: intron variant (1).
Genome position (GRCh38, 1-based): chr10:74,111,909, C>G. VCF-style: chr10-74111909-C-G. GRCh37 (hg19) VCF-style: chr10-75871667-C-G.
Other names: c.2746-2275C>G (NM_003373.4); short protein forms P916A.
Identifiers: ClinVar variation 3611682 (VCV003611682.3).
Genomic context (GRCh38, chr10:74,111,909, plus strand): 5'-AAGTCGTATTGCTCTTACTAACACTATCCCTATTTCTCATCCTTCCCGCCATCGACAAAG[C>G]CGGGCATCCCAGCCGCTGAGGTGGGTATAGGTGTTGTAGCTGAGGCAGATGCGGCCGATG-3'
Protein context (NP_054706.1, residues 906-926): HDEARKWSSK[Pro916Ala]GIPAAEVGIG